The following is an entry in ClinVar:

ClinVar aggregate classification (germline): Uncertain significance (1 of 4 stars; one submission).

Conditions:
Hereditary cancer-predisposing syndrome. Also called: Neoplastic Syndromes, Hereditary; Tumor predisposition; Hereditary Cancer Syndrome; Hereditary neoplastic syndrome. Identifiers: Orphanet 140162, MedGen C0027672, MeSH D009386, MONDO:0015356.

Submission:

Ambry Genetics
Classification: Uncertain significance for Hereditary cancer-predisposing syndrome. Last evaluated: 2025-11-16. Review status: criteria provided, single submitter. Criteria: Ambry Variant Classification Scheme 2023. Collection method: clinical testing. Allele origin: germline.
Comment: The p.L43F variant (also known as c.129G>C), located in coding exon 2 of the BRIP1 gene, results from a G to C substitution at nucleotide position 129. The leucine at codon 43 is replaced by phenylalanine, an amino acid with highly similar properties. This amino acid position is conserved. In addition, the in silico prediction for this alteration is inconclusive. Based on the available evidence, the clinical significance of this variant remains unclear.

NM_032043.3(BRIP1):c.129G>C (p.Leu43Phe)

Gene: BRIP1 (BRCA1 interacting DNA helicase 1; minus strand). Cytogenetic location: 17q23.2.
Variant type: single nucleotide variant.
Coding change: c.129G>C on transcript NM_032043.3 (MANE Select); coding-DNA position 129, G replaced by C.
Protein change: p.Leu43Phe; replaces leucine 43 with phenylalanine.
Molecular consequence: missense variant.
Genome position (GRCh38, 1-based): chr17:61,859,872, C>G on the plus strand (G>C on the coding strand, the complement: BRIP1 is on the minus strand). VCF-style: chr17-61859872-C-G. GRCh37 (hg19) VCF-style: chr17-59937233-C-G.
Other names: short protein forms L43F.
Identifiers: ClinVar variation 4631101 (VCV004631101.1).